The following is an entry in ClinVar:

ClinVar aggregate classification (germline): Likely benign. Review status: criteria provided, multiple submitters, no conflicts (2 of 4 stars). 2 submissions from 2 submitters: Likely benign (2). Last evaluated 2025-09-01.

Allele frequency attached by ClinVar (database versions not stated): TOPMed 0.00003; gnomAD 0.00007; gnomAD exomes 0.00009; ExAC 0.00010.
gnomAD v4.1: 140 of 1,613,898 alleles (0.0087%); highest among the groups gnomAD compares: South Asian, 0.018%; 1 homozygote.

Submissions (2):

CeGaT Center for Human Genetics Tuebingen
Classification: Likely benign. Last evaluated: 2025-09-01. Review status: criteria provided, single submitter. Criteria: CeGaT Center For Human Genetics Tuebingen Variant Classification Criteria Version 2. Collection method: clinical testing. Allele origin: germline. Affected: yes. Observed: 2 variant alleles.
Comment: CHD3: BS2

Laboratory of Genetics, Children's Clinical University Hospital Latvia
Classification: Likely benign. Last evaluated: 2025-02-16. Review status: criteria provided, single submitter. Criteria: ACMG Guidelines, 2015. Collection method: clinical testing. Allele origin: germline. Affected: yes.

NM_001005273.3(CHD3):c.841C>T (p.Arg281Cys)

Genes: CHD3 (chromodomain helicase DNA binding protein 3; plus strand), LOC126862484 (CDK7 strongly-dependent group 2 enhancer GRCh37_chr17:7797066-7798265; plus strand). Cytogenetic location: 17p13.1.
Variant type: single nucleotide variant.
Coding change: c.841C>T on transcript NM_001005273.3 (MANE Select); coding-DNA position 841, C replaced by T.
Protein change: p.Arg281Cys; replaces arginine 281 with cysteine.
Molecular consequence: missense variant.
Genome position (GRCh38, 1-based): chr17:7,893,852, C>T. VCF-style: chr17-7893852-C-T. GRCh37 (hg19) VCF-style: chr17-7797170-C-T.
Other names: c.1018C>T, p.Arg340Cys (NM_001005271.3); c.841C>T, p.Arg281Cys (NM_005852.4); short protein forms R281C, R340C.
Identifiers: ClinVar variation 2647425 (VCV002647425.25), dbSNP rs201932618, ClinGen allele CA8362491.